The following is an entry in ClinVar:

ClinVar aggregate classification (germline): Uncertain significance (3 of 4 stars; one submission).

Conditions:
Phenylketonuria (PKU). Also called: FOLLING DISEASE; Phenylketonuria (PKU); OLIGOPHRENIA PHENYLPYRUVICA; Phenylketonurias. Identifiers: Orphanet 716, MedGen C0031485, MONDO:0009861, OMIM 261600. Disease mechanism: loss of function.

Submission:

ClinGen PAH Variant Curation Expert Panel
Classification: Uncertain significance for Phenylketonuria. Last evaluated: 2019-02-26. Review status: reviewed by expert panel. Criteria: ClinGen PAH ACMG Specifications v1. Collection method: curation. Allele origin: germline. Inheritance: Autosomal recessive inheritance.
Comment: VUS: The c.47C>A (p.S16Y) variant in PAH was reported in one patient in a PKU cohort without segregation, and evidence of BH4 responsiveness (PP4, PMID: 21307867). This variant is absent from population databases, including 1000 Genomes, gnomAD and ESP. Computations predictors SIFT and Polyphen are conflicting, REVEL=0.569. In summary, this variant meets criteria to be classified as uncertain significance for PAH. PAH-specific ACMG/AMP criteria applied: PP4, PM2.

Literature cited by the submitters: PubMed 21307867.

NM_000277.3(PAH):c.47C>A (p.Ser16Tyr)

Gene: PAH (phenylalanine hydroxylase; minus strand). Cytogenetic location: 12q23.2.
Variant type: single nucleotide variant.
Coding change: c.47C>A on transcript NM_000277.3 (MANE Select); coding-DNA position 47, C replaced by A.
Protein change: p.Ser16Tyr; replaces serine 16 with tyrosine.
Molecular consequence: missense variant.
Genome position (GRCh38, 1-based): chr12:102,917,084, G>T on the plus strand (C>A on the coding strand, the complement: PAH is on the minus strand). VCF-style: chr12-102917084-G-T. GRCh37 (hg19) VCF-style: chr12-103310862-G-T.
Other names: c.47C>A, p.Ser16Tyr (NM_001354304.2); short protein forms S16Y.
Identifiers: ClinVar variation 805803 (VCV000805803.1), dbSNP rs1592991188, ClinGen allele CA16020719.